The following is an entry in ClinVar:

NM_024675.4(PALB2):c.2712del (p.Trp904fs)

Gene: PALB2 (partner and localizer of BRCA2; minus strand). Cytogenetic location: 16p12.2.
Variant type: Deletion.
Coding change: c.2712del on transcript NM_024675.4 (MANE Select); coding-DNA position 2712, one base deleted (G; older notation c.2712delG).
Protein change: p.Trp904fs; shifts the reading frame from tryptophan 904.
Molecular consequence: frameshift variant.
Genome position (GRCh38, 1-based): chr16:23,626,272, C deleted on the plus strand (G on the coding strand, the reverse complement: PALB2 is on the minus strand); the first of 2 consecutive C bases (chr16:23,626,272-23,626,273); deleting either gives the same sequence. VCF-style (leftmost placement, unchanged base first): chr16-23626271-GC-G. GRCh37 (hg19) VCF-style: chr16-23637592-GC-G.
Other names: c.2651delG, p.Trp884Cysfs (NM_001407296.1); c.2639delG, p.Trp880Cysfs (NM_001407297.1); c.2711delG, p.Trp904Cysfs (NM_001407299.1, NM_001407300.1, NM_001407301.1); c.1826delG, p.Trp609Cysfs (NM_001407304.1, NM_001407305.1, NM_001407306.1 and 4 more transcripts); c.923delG, p.Trp308Cysfs (NM_001407312.1, NM_001407313.1); c.245delG, p.Trp82Cysfs (NM_001407314.1); c.2712delG (NM_024675.3); short protein forms W904fs.
Identifiers: ClinVar variation 1795087 (VCV001795087.3), dbSNP rs2506369952, ClinGen allele CA2580091275.

ClinVar aggregate classification (germline): Pathogenic. Review status: criteria provided, multiple submitters, no conflicts (2 of 4 stars). 2 submissions from 2 submitters: Pathogenic (2). Last evaluated 2023-09-13.

Conditions:
Hereditary cancer-predisposing syndrome. Also called: Tumor predisposition; Hereditary Cancer Syndrome; Neoplastic Syndromes, Hereditary; Hereditary neoplastic syndrome. Identifiers: Orphanet 140162, MedGen C0027672, MeSH D009386, MONDO:0015356.
Familial cancer of breast. Also called: Hereditary breast cancer; BREAST CANCER, FAMILIAL; hereditary breast carcinoma. Identifiers: Orphanet 227535, MedGen C0346153, MONDO:0016419, OMIM 114480. Disease mechanism: loss of function.

Submissions (2):

Myriad Genetics, Inc.
Classification: Pathogenic for Familial cancer of breast. Last evaluated: 2023-09-13. Review status: criteria provided, single submitter. Criteria: Myriad Autosomal Dominant, Autosomal Recessive and X-Linked Classification Criteria (2023). Collection method: clinical testing. Allele origin: unknown.
Comment: This variant is considered pathogenic. This variant creates a frameshift predicted to result in premature protein truncation.

Ambry Genetics
Classification: Pathogenic for Hereditary cancer-predisposing syndrome. Last evaluated: 2022-06-03. Review status: criteria provided, single submitter. Criteria: Ambry Variant Classification Scheme 2023. Collection method: clinical testing. Allele origin: germline.
Comment: The c.2712delG pathogenic mutation, located in coding exon 7 of the PALB2 gene, results from a deletion of one nucleotide at nucleotide position 2712, causing a translational frameshift with a predicted alternate stop codon (p.W904Cfs*19). This variant is considered to be rare based on population cohorts in the Genome Aggregation Database (gnomAD). This alteration is expected to result in loss of function by premature protein truncation or nonsense-mediated mRNA decay. As such, this alteration is interpreted as a disease-causing mutation.